The following is an entry in ClinVar:

NM_001144958.2(CRACR2A):c.525-21T>C

Gene: CRACR2A (calcium release activated channel regulator 2A; minus strand). Cytogenetic location: 12p13.32.
Variant type: single nucleotide variant.
Coding change: c.525-21T>C on transcript NM_001144958.2 (MANE Select); 21 bases into the intron before coding-DNA position 525, T replaced by C.
Molecular consequence: intron variant.
Genome position (GRCh38, 1-based): chr12:3,673,613, A>G on the plus strand (T>C on the coding strand, the complement: CRACR2A is on the minus strand). VCF-style: chr12-3673613-A-G. GRCh37 (hg19) VCF-style: chr12-3782779-A-G.
Other names: c.525-21T>C (NM_032680.4).
Identifiers: ClinVar variation 2688127 (VCV002688127.2), dbSNP rs61907258, ClinGen allele CA6394663.

ClinVar aggregate classification (germline): Benign (1 of 4 stars; one submission).

Allele frequency attached by ClinVar (database versions not stated): ESP Exome Variant Server 0.13709; gnomAD 0.14792; TOPMed 0.15339; gnomAD exomes 0.15719; 1000 Genomes Project 30x 0.16802; 1000 Genomes Project 0.17133; ExAC 0.17141.
gnomAD v4.1: 251,098 of 1,608,258 alleles (16%); highest among the groups gnomAD compares: Admixed American, 28%; 21,396 homozygotes.

Submission:

Unidad de Genómica Garrahan, Hospital de Pediatría Garrahan
Classification: Benign. Last evaluated: 2024-01-24. Review status: criteria provided, single submitter. Criteria: ACMG Guidelines, 2015. Collection method: clinical testing. Allele origin: germline. Affected: no. Observed: 46 variant alleles.
Comment: This variant is classified as Benign based on local population frequency. This variant was detected in 48% of patients studied by a panel of primary immunodeficiencies. Number of patients: 46. Only high quality variants are reported.